The following is an entry in ClinVar:

NM_003597.5(KLF11):c.52A>G (p.Met18Val)

Gene: KLF11 (KLF transcription factor 11; plus strand). Cytogenetic location: 2p25.1.
Variant type: single nucleotide variant.
Coding change: c.52A>G on transcript NM_003597.5 (MANE Select); coding-DNA position 52, A replaced by G.
Protein change: p.Met18Val; replaces methionine 18 with valine.
Molecular consequence: missense variant. On other transcripts: initiator codon variant (2).
Genome position (GRCh38, 1-based): chr2:10,046,159, A>G. VCF-style: chr2-10046159-A-G. GRCh37 (hg19) VCF-style: chr2-10186286-A-G.
Other names: c.1A>G, p.Met1Val (NM_001177716.2, NM_001177718.2); short protein forms M18V, M1V.
Identifiers: ClinVar variation 3628566 (VCV003628566.2).

ClinVar aggregate classification (germline): Uncertain significance (1 of 4 stars; one submission).

Submission:

Labcorp Genetics (formerly Invitae), Labcorp
Classification: Uncertain significance. Last evaluated: 2024-10-07. Review status: criteria provided, single submitter. Criteria: Invitae Variant Classification Sherloc (09022015). Collection method: clinical testing. Allele origin: germline.
Comment: This sequence change replaces methionine, which is neutral and non-polar, with valine, which is neutral and non-polar, at codon 18 of the KLF11 protein (p.Met18Val). This variant is present in population databases (rs373697732, gnomAD 0.007%). This variant has not been reported in the literature in individuals affected with KLF11-related conditions. An algorithm developed to predict the effect of missense changes on protein structure and function outputs the following: PolyPhen-2: "Benign". The valine amino acid residue is found in multiple mammalian species, which suggests that this missense change does not adversely affect protein function. In summary, the available evidence is currently insufficient to determine the role of this variant in disease. Therefore, it has been classified as a Variant of Uncertain Significance.